The following is an entry in ClinVar:

ClinVar aggregate classification (germline): Likely benign (1 of 4 stars; one submission).

Allele frequency attached by ClinVar (database versions not stated): ExAC 0.00001; TOPMed 0.00002; gnomAD exomes 0.00004; gnomAD 0.00005.
gnomAD v4.1: 70 of 1,614,086 alleles (0.0043%); highest among the groups gnomAD compares: Non-Finnish European, 0.0051%; no homozygotes.

Submission:

CeGaT Center for Human Genetics Tuebingen
Classification: Likely benign. Last evaluated: 2022-05-01. Review status: criteria provided, single submitter. Criteria: CeGaT Center For Human Genetics Tuebingen Variant Classification Criteria Version 2. Collection method: clinical testing. Allele origin: germline. Affected: yes. Observed: 1 variant allele.
Comment: ARFGEF2: BP4, BP7

NM_006420.3(ARFGEF2):c.1143G>A (p.Leu381=)

Gene: ARFGEF2 (ARF guanine nucleotide exchange factor 2; plus strand). Cytogenetic location: 20q13.13.
Variant type: single nucleotide variant.
Coding change: c.1143G>A on transcript NM_006420.3 (MANE Select); coding-DNA position 1143, G replaced by A.
Protein change: p.Leu381=; no amino-acid change (leucine 381 retained).
Molecular consequence: synonymous variant.
Genome position (GRCh38, 1-based): chr20:48,969,230, G>A. VCF-style: chr20-48969230-G-A. GRCh37 (hg19) VCF-style: chr20-47585767-G-A.
Other names: c.1140G>A, p.Leu380= (NM_001410846.1).
Identifiers: ClinVar variation 2652383 (VCV002652383.24), dbSNP rs201608219, ClinGen allele CA9898339.